The following is an entry in ClinVar:

NM_000213.5(ITGB4):c.1454+1G>T

Gene: ITGB4 (integrin subunit beta 4; plus strand). Cytogenetic location: 17q25.1.
Variant type: single nucleotide variant.
Coding change: c.1454+1G>T on transcript NM_000213.5 (MANE Select); the canonical splice donor site of the intron after coding-DNA position 1454, G replaced by T.
Molecular consequence: splice donor variant.
Genome position (GRCh38, 1-based): chr17:75,732,240, G>T. VCF-style: chr17-75732240-G-T. GRCh37 (hg19) VCF-style: chr17-73728321-G-T.
Other names: c.1454+1G>T (NM_001005619.2, NM_001005731.3, NM_001438834.1 and 1 more transcripts).
Identifiers: ClinVar variation 2997096 (VCV002997096.3), dbSNP rs1437930772, ClinGen allele CA401048890.

ClinVar aggregate classification (germline): Likely pathogenic (1 of 4 stars; one submission).

Allele frequency attached by ClinVar (database versions not stated): gnomAD exomes below 0.00001.
gnomAD v4.1: 1 of 1,613,938 alleles (0.000062%); no homozygotes.

Submission:

Labcorp Genetics (formerly Invitae), Labcorp
Classification: Likely pathogenic. Last evaluated: 2023-11-21. Review status: criteria provided, single submitter. Criteria: Invitae Variant Classification Sherloc (09022015). Collection method: clinical testing. Allele origin: germline.
Comment: This sequence change affects a donor splice site in intron 12 of the ITGB4 gene. It is expected to disrupt RNA splicing. Variants that disrupt the donor or acceptor splice site typically lead to a loss of protein function (PMID: 16199547), and loss-of-function variants in ITGB4 are known to be pathogenic (PMID: 11328943, 16473856). This variant is present in population databases (no rsID available, gnomAD 0.01%). This variant has not been reported in the literature in individuals affected with ITGB4-related conditions. Algorithms developed to predict the effect of sequence changes on RNA splicing suggest that this variant may disrupt the consensus splice site. In summary, the currently available evidence indicates that the variant is pathogenic, but additional data are needed to prove that conclusively. Therefore, this variant has been classified as Likely Pathogenic.

Literature cited by the submitters: PubMed 16199547; PubMed 11328943; PubMed 16473856.